The following is an entry in ClinVar:

NM_052925.4(LENG8):c.1791G>A (p.Ala597=)

Gene: LENG8 (leukocyte receptor cluster member 8; plus strand). Cytogenetic location: 19q13.42.
Variant type: single nucleotide variant.
Coding change: c.1791G>A on transcript NM_052925.4 (MANE Select); coding-DNA position 1791, G replaced by A.
Protein change: p.Ala597=; no amino-acid change (alanine 597 retained).
Molecular consequence: synonymous variant.
Genome position (GRCh38, 1-based): chr19:54,457,806, G>A. VCF-style: chr19-54457806-G-A. GRCh37 (hg19) VCF-style: chr19-54968985-G-A.
Other names: c.1791G>A, p.Ala597= (NM_001375638.1, NM_001375640.1, NM_001375641.1); c.1737G>A, p.Ala579= (NM_001375639.1); c.1680G>A, p.Ala560= (NM_001411063.1).
Identifiers: ClinVar variation 3047873 (VCV003047873.2), dbSNP rs780417567, ClinGen allele CA309660268.

ClinVar aggregate classification (germline): Likely benign (0 of 4 stars; one submission).

Conditions:
LENG8-related disorder. Also called: LENG8-related condition.

Allele frequency attached by ClinVar (database versions not stated): ExAC 0.00001; gnomAD 0.00003.
gnomAD v4.1: 81 of 1,614,056 alleles (0.005%); highest among the groups gnomAD compares: East Asian, 0.033%; no homozygotes.

Submission:

PreventionGenetics, part of Exact Sciences
Classification: Likely benign for LENG8-related condition. Last evaluated: 2019-03-29. Review status: no assertion criteria provided. Collection method: clinical testing. Allele origin: germline.
Comment: This variant is classified as likely benign based on ACMG/AMP sequence variant interpretation guidelines (Richards et al. 2015 PMID: 25741868, with internal and published modifications).